The following is an entry in ClinVar:

NM_000228.3(LAMB3):c.1587_1588del (p.Gly530fs)

Gene: LAMB3 (laminin subunit beta 3; minus strand). Cytogenetic location: 1q32.2.
Variant type: Deletion.
Coding change: c.1587_1588del on transcript NM_000228.3 (MANE Select); coding-DNA positions 1587 to 1588, 2 bases deleted (AG; older notation c.1587_1588delAG).
Protein change: p.Gly530fs; shifts the reading frame from glycine 530.
Molecular consequence: frameshift variant.
Genome position (GRCh38, 1-based): chr1:209,626,876-209,626,877, CT deleted on the plus strand (AG on the coding strand, the reverse complement: LAMB3 is on the minus strand). VCF-style (leftmost placement, unchanged base first): chr1-209626875-CCT-C. GRCh37 (hg19) VCF-style: chr1-209800220-CCT-C.
Other names: c.1587_1588del, p.Gly530fs (NM_001017402.2, NM_001127641.1); short protein forms G530fs.
Identifiers: ClinVar variation 14548 (VCV000014548.10), dbSNP rs769151482, ClinGen allele CA257283.

ClinVar aggregate classification (germline): Pathogenic. Review status: criteria provided, multiple submitters, no conflicts (2 of 4 stars). 5 submissions from 5 submitters: Pathogenic (3). 2 of the submissions do not count toward it. Last evaluated 2024-03-11.

Conditions:
Junctional epidermolysis bullosa, non-Herlitz type. Also called: EPIDERMOLYSIS BULLOSA, JUNCTIONAL 1A, INTERMEDIATE; EPIDERMOLYSIS BULLOSA JUNCTIONALIS, DISENTIS TYPE; EPIDERMOLYSIS BULLOSA JUNCTIONALIS, NON-HERLITZ TYPE; EPIDERMOLYSIS BULLOSA JUNCTIONALIS, PROGRESSIVE; EPIDERMOLYSIS BULLOSA JUNCTIONALIS, SEVERE NONLETHAL; Adult junctional epidermolysis bullosa. Identifiers: Orphanet 251393, Orphanet 79402, Orphanet 79405, Orphanet 89840, MedGen C0268374, MONDO:0009180, OMIM 226650.
Junctional epidermolysis bullosa gravis of Herlitz. Also called: EPIDERMOLYSIS BULLOSA, JUNCTIONAL 1B, SEVERE; EPIDERMOLYSIS BULLOSA JUNCTIONALIS, HERLITZ TYPE; EPIDERMOLYSIS BULLOSA, JUNCTIONAL, HERLITZ-PEARSON TYPE; JEB-HERLITZ TYPE; Epidermolysis Bullosa Letalis; Herlitz-type junctional epidermolysis bullosa. Identifiers: Orphanet 79404, MedGen C0079683, MONDO:0009182, OMIM 226700.
Amelogenesis imperfecta type 1A. Also called: Amelogenesis imperfecta local hypoplastic; Amelogenesis imperfecta, hypoplastic type; Amelogenesis imperfecta, type IA; AMELOGENESIS IMPERFECTA, HYPOPLASTIC TYPE IA. Identifiers: Orphanet 88661, MedGen C4011403, MONDO:0007094, OMIM 104530.
Junctional epidermolysis bullosa. Identifiers: Orphanet 305, MedGen C0079301, MONDO:0017612.

Allele frequency attached by ClinVar (database versions not stated): gnomAD exomes below 0.00001 and 0.00001; ExAC 0.00001.

Submissions (5):

Fulgent Genetics
Classification: Pathogenic for Amelogenesis imperfecta type 1A; Junctional epidermolysis bullosa, non-Herlitz type; Junctional epidermolysis bullosa gravis of Herlitz. Last evaluated: 2024-03-11. Review status: criteria provided, single submitter. Criteria: ACMG Guidelines, 2015. Collection method: clinical testing. Allele origin: germline.

Labcorp Genetics (formerly Invitae), Labcorp
Classification: Pathogenic. Last evaluated: 2023-04-14. Review status: criteria provided, single submitter. Criteria: Invitae Variant Classification Sherloc (09022015). Collection method: clinical testing. Allele origin: germline.
Comment: This sequence change creates a premature translational stop signal (p.Gly530Metfs*5) in the LAMB3 gene. It is expected to result in an absent or disrupted protein product. Loss-of-function variants in LAMB3 are known to be pathogenic (PMID: 11023379, 16473856). This variant is present in population databases (rs769151482, gnomAD 0.0009%). This premature translational stop signal has been observed in individual(s) with junctional epidermolysis bullosa (PMID: 11689492). This variant is also known as 1587delAG. ClinVar contains an entry for this variant (Variation ID: 14548). For these reasons, this variant has been classified as Pathogenic.

Women's Health and Genetics/Laboratory Corporation of America, LabCorp
Classification: Pathogenic for Junctional epidermolysis bullosa. Last evaluated: 2022-12-05. Review status: criteria provided, single submitter. Criteria: LabCorp Variant Classification Summary - May 2015. Collection method: clinical testing. Allele origin: germline.
Comment: Variant summary: LAMB3 c.1587_1588delAG (p.Gly530MetfsX5) results in a premature termination codon, predicted to cause a truncation of the encoded protein or absence of the protein due to nonsense mediated decay, which are commonly known mechanisms for disease. Truncations downstream of this position have been classified as pathogenic by our laboratory. The variant allele was found at a frequency of 4e-06 in 250330 control chromosomes. c.1587_1588delAG has been reported in the literature in individuals affected with Junctional Epidermolysis Bullosa in the homozygous and compound heterozygous state (eg. Gache_2001, Posteraro_2004, Takeichi_2015). These data indicate that the variant is likely to be associated with disease. RT-PCR studies have shown the variant restores the open-reading frame of a naturally occurring out-of-frame exon 14-skipped mRNA transcript which, thus, escapes nonsense-mediated decay (Hentze and Kulozik, 1999) and can accumulate in the cells as a single mRNA species (Posteraro_2004, Takeichi_2015). RT-PCR amplification of total RNA purified from skin biopsies of a patient with the variant showed that the mutated mRNAs underwent rapid decay shortly after birth, and that illegitimate splicing of the mRNA carrying c.1587_1588delAG generated a new internally shortened transcript with advancing age, which correlated with the patient's marked improvement of skin adhesion with advancing age (Gache_2001). One clinical diagnostic laboratory has submitted clinical-significance assessments for this variant to ClinVar after 2014 without evidence for independent evaluation. One laboratory classified the variant as pathogenic. Based on the evidence outlined above, the variant was classified as pathogenic.

Counsyl
Classification: Pathogenic for Junctional epidermolysis bullosa gravis of Herlitz. Last evaluated: 2017-01-26. Review status: no assertion criteria provided. Collection method: clinical testing. Allele origin: unknown. Not counted in ClinVar's aggregate classification.

OMIM
Classification: Pathogenic for EPIDERMOLYSIS BULLOSA, JUNCTIONAL 1B, SEVERE. Last evaluated: 2001-10-01. Review status: no assertion criteria provided. Collection method: literature only. Allele origin: germline. Not counted in ClinVar's aggregate classification.

Literature cited by the submitters: PubMed 11023379 (cited by Labcorp Genetics (formerly Invitae), Labcorp); PubMed 16473856 (cited by Labcorp Genetics (formerly Invitae), Labcorp); PubMed 11689492 (cited by 4 submitters); PubMed 15373767 (cited by Women's Health and Genetics/Laboratory Corporation of America, LabCorp); PubMed 24947307 (cited by Women's Health and Genetics/Laboratory Corporation of America, LabCorp and Counsyl).